The following is an entry in ClinVar:

NM_178857.6(RP1L1):c.3191C>T (p.Ala1064Val)

Gene: RP1L1 (RP1 like 1). Cytogenetic location: 8p23.1.
Variant type: single nucleotide variant.
Coding change: c.3191C>T on transcript NM_178857.6 (MANE Select); coding-DNA position 3191, C replaced by T.
Protein change: p.Ala1064Val; replaces alanine 1064 with valine.
Molecular consequence: missense variant.
Genome position (GRCh38, 1-based): chr8:10,610,907, G>A on the plus strand (C>T on the coding strand, the complement: RP1L1 is on the minus strand). VCF-style: chr8-10610907-G-A. GRCh37 (hg19) VCF-style: chr8-10468417-G-A.
Other names: short protein forms A1064V.
Identifiers: ClinVar variation 4985450 (VCV004985450.1).

ClinVar aggregate classification (germline): Uncertain significance (1 of 4 stars; one submission).

Conditions:
RP1L1-related disorder. Also called: RP1L1-related condition.

gnomAD v4.1: 21 of 1,610,778 alleles (0.0013%); highest among the groups gnomAD compares: Non-Finnish European, 0.0018%; no homozygotes.

Submission:

PreventionGenetics, part of Exact Sciences
Classification: Uncertain significance for RP1L1-related condition. Last evaluated: 2025-06-14. Review status: criteria provided, single submitter. Criteria: ACMG Guidelines, 2015. Collection method: clinical testing. Allele origin: germline.
Comment: The RP1L1 c.3191C>T variant is predicted to result in the amino acid substitution p.Ala1064Val. To our knowledge, this variant has not been reported in the literature or in a large population database (gnomAD), indicating this variant is rare. At this time, the clinical significance of this variant is uncertain due to the absence of conclusive functional and genetic evidence.